The following is an entry in ClinVar:

ClinVar aggregate classification (germline): Pathogenic (1 of 4 stars; one submission).

Submission:

Illumina Laboratory Services, Illumina
Classification: Pathogenic. Last evaluated: 2020-05-11. Review status: criteria provided, single submitter. Criteria: ICSL CNVClassificationCriteria Aug2020. Collection method: clinical testing. Allele origin: unknown.
Comment: This CNV is a 36 kb deletion of 12q12, on chromosome 12, (seq[GRCh37]del(12)(q12); chr12:g.46177220_46213044del), found in a de novo state. This CNV constitutes a loss with breakpoints within introns 3 and 5 of the ARID2 gene, resulting in deletion of exons 4 and 5. This CNV has not been reported in control populations but five significantly larger CNVs are reported in DGV in healthy individuals (Redon et al. 2006; Paemel et al. 2017). A similar CNV has been reported in an individual with intellectual disability, motor delay, language delay, feeding difficulties, short stature, prominent philtrum, behavior abnormalities, and dysmorphic features. Larger CNVs altering more of the ARID2 gene are also reported in individuals with phenotypes consistent with this CNV (Gazdagh et al. 2018). Additionally, the ARID2 gene has a haploinsufficiency score of 3 in ClinGen and has many loss of function variants downstream of exon 5 identified in individuals with phenotypes that are consistent with those carrying the CNVs (Shang et al. 2015; Bramswig et al. 2017; Gazdagh et al. 2018). Based on the collective evidence, this CNV is classified as pathogenic.

Literature cited by the submitters: PubMed 17122850; PubMed 26238514; PubMed 28124119; PubMed 28884947; PubMed 29698805.

GRCh37/hg19 12q12(chr12:46177220-46213044)x1

Gene: ARID2 (AT-rich interaction domain 2; plus strand). Cytogenetic location: 12q12.
Variant type: copy number loss.
Change: copy number 1 (one copy instead of two) of chr12:46,177,220-46,213,044 (35.8 kb, GRCh37 coordinates, 1-based), cytogenetic band 12q12.
Identifiers: ClinVar variation 988908 (VCV000988908.4).